The following is an entry in ClinVar:

ClinVar aggregate classification (germline): Benign. Review status: criteria provided, multiple submitters, no conflicts (2 of 4 stars). 2 submissions from 2 submitters: Benign (2). Last evaluated 2018-01-13.

Conditions:
Epidermolysis bullosa simplex due to plakophilin deficiency. Also called: MCGRATH SYNDROME. Identifiers: Orphanet 158668, MedGen C1858302, MONDO:0011472, OMIM 604536.

Allele frequency attached by ClinVar (database versions not stated): 1000 Genomes Project 30x 0.61790; TOPMed 0.62721; 1000 Genomes Project 0.62939; gnomAD 0.63130 and 0.64053; gnomAD exomes 0.73810.
gnomAD v4.1: 97,717 of 152,174 alleles (64%); highest among the groups gnomAD compares: East Asian, 87%; 35,343 homozygotes.

Submissions (2):

Illumina Laboratory Services, Illumina
Classification: Benign for Epidermolysis bullosa simplex due to plakophilin deficiency. Last evaluated: 2018-01-13. Review status: criteria provided, single submitter. Criteria: ICSL Variant Classification Criteria 13 December 2019. Collection method: clinical testing. Allele origin: germline.
Comment: This variant was observed in the ICSL laboratory as part of a predisposition screen in an ostensibly healthy population. It had not been previously curated by ICSL or reported in the Human Gene Mutation Database (HGMD: prior to June 1st, 2018), and was therefore a candidate for classification through an automated scoring system. Utilizing variant allele frequency, disease prevalence and penetrance estimates, and inheritance mode, an automated score was calculated to assess if this variant is too frequent to cause the disease. Based on the score and internal cut-off values, a variant classified as benign is not then subjected to further curation. The score for this variant resulted in a classification of benign for this disease.

Breakthrough Genomics
Classification: Benign. Review status: criteria provided, single submitter. Criteria: ACMG Guidelines, 2015. Collection method: not provided. Allele origin: germline. Inheritance: Autosomal recessive inheritance. Affected: yes.

NM_001005337.3(PKP1):c.*579G>A

Gene: PKP1 (plakophilin 1; plus strand). Cytogenetic location: 1q32.1.
Variant type: single nucleotide variant.
Coding change: c.*579G>A on transcript NM_001005337.3 (MANE Select); 579 bases downstream of the stop codon, G replaced by A.
Molecular consequence: 3 prime UTR variant.
Genome position (GRCh38, 1-based): chr1:201,330,620, G>A. VCF-style: chr1-201330620-G-A. GRCh37 (hg19) VCF-style: chr1-201299748-G-A.
Other names: c.*579G>A (NM_000299.4).
Identifiers: ClinVar variation 294846 (VCV000294846.6), dbSNP rs10920174, ClinGen allele CA10609383.